The following is an entry in ClinVar:

NM_004517.4(ILK):c.656T>A (p.Val219Glu)

Genes: TAF10 (TATA-box binding protein associated factor 10; minus strand), ILK (integrin linked kinase; plus strand). Cytogenetic location: 11p15.4.
Variant type: single nucleotide variant.
Coding change: c.656T>A on transcript NM_004517.4 (MANE Select); coding-DNA position 656, T replaced by A.
Protein change: p.Val219Glu; replaces valine 219 with glutamic acid.
Molecular consequence: missense variant. On other transcripts: 3 prime UTR variant (1).
Genome position (GRCh38, 1-based): chr11:6,609,336, T>A. VCF-style: chr11-6609336-T-A. GRCh37 (hg19) VCF-style: chr11-6630567-T-A.
Other names: c.656T>A, p.Val219Glu (NM_001014794.3, NM_001014795.3); c.473T>A, p.Val158Glu (NM_001278441.2); c.254T>A, p.Val85Glu (NM_001278442.2); c.*1586A>T (NM_006284.4); short protein forms V158E, V219E, V85E.
Identifiers: ClinVar variation 1375344 (VCV001375344.6), dbSNP rs2134563739, ClinGen allele CA379461522.

ClinVar aggregate classification (germline): Uncertain significance (1 of 4 stars; one submission).

Conditions:
Primary familial hypertrophic cardiomyopathy (HCM). Identifiers: Orphanet 99739, MedGen C0949658, MeSH D024741, MONDO:0024573. Inheritance: Various modes of inheritance.

Submission:

Labcorp Genetics (formerly Invitae), Labcorp
Classification: Uncertain significance for Primary familial hypertrophic cardiomyopathy. Last evaluated: 2021-08-16. Review status: criteria provided, single submitter. Criteria: Invitae Variant Classification Sherloc (09022015). Collection method: clinical testing. Allele origin: germline.
Comment: This sequence change replaces valine with glutamic acid at codon 219 of the ILK protein (p.Val219Glu). The valine residue is moderately conserved and there is a moderate physicochemical difference between valine and glutamic acid. This variant is not present in population databases (ExAC no frequency). This variant has not been reported in the literature in individuals affected with ILK-related conditions. Algorithms developed to predict the effect of missense changes on protein structure and function are either unavailable or do not agree on the potential impact of this missense change (SIFT: "Deleterious"; PolyPhen-2: "Benign"; Align-GVGD: "Class C35"). In summary, the available evidence is currently insufficient to determine the role of this variant in disease. Therefore, it has been classified as a Variant of Uncertain Significance.